The following is an entry in ClinVar:

NM_001374828.1(ARID1B):c.1766C>G (p.Pro589Arg)

Gene: ARID1B (AT-rich interaction domain 1B; plus strand). Cytogenetic location: 6q25.3.
Variant type: single nucleotide variant.
Coding change: c.1766C>G on transcript NM_001374828.1 (MANE Select); coding-DNA position 1766, C replaced by G.
Protein change: p.Pro589Arg; replaces proline 589 with arginine.
Molecular consequence: missense variant.
Genome position (GRCh38, 1-based): chr6:156,779,446, C>G. VCF-style: chr6-156779446-C-G. GRCh37 (hg19) VCF-style: chr6-157100580-C-G.
Other names: c.1517C>G, p.Pro506Arg (NM_001346813.1, NM_020732.3); c.1766C>G, p.Pro589Arg (NM_001371656.1, NM_001374820.1, NM_017519.3); c.1343C>G, p.Pro448Arg (NM_175863.2); short protein forms P448R, P506R, P589R.
Identifiers: ClinVar variation 2115184 (VCV002115184.4), dbSNP rs1261276810, ClinGen allele CA366385719.
Genomic context (GRCh38, chr6:156,779,446, plus strand): 5'-CCAGCCCGGCCTGGGCGGCCGCGCAACAAAGGAGTCACCCGGCGATGAGCCCCGGCACCC[C>G]CGGACCGACCATGGGCAGATCCCAGGTAACCCTCGCGCCAGCCGGGCCTGCTTCCGCCCG-3'
Protein context (NP_001361757.1, residues 579-599): RSHPAMSPGT[Pro589Arg]GPTMGRSQGS

ClinVar aggregate classification (germline): Uncertain significance (1 of 4 stars; one submission).

Submission:

Labcorp Genetics (formerly Invitae), Labcorp
Classification: Uncertain significance. Last evaluated: 2022-03-20. Review status: criteria provided, single submitter. Criteria: Invitae Variant Classification Sherloc (09022015). Collection method: clinical testing. Allele origin: germline.
Comment: In summary, the available evidence is currently insufficient to determine the role of this variant in disease. Therefore, it has been classified as a Variant of Uncertain Significance. Algorithms developed to predict the effect of missense changes on protein structure and function are either unavailable or do not agree on the potential impact of this missense change (SIFT: "Deleterious"; PolyPhen-2: "Possibly Damaging"; Align-GVGD: "Class C0"). This variant has not been reported in the literature in individuals affected with ARID1B-related conditions. This variant is not present in population databases (gnomAD no frequency). This sequence change replaces proline, which is neutral and non-polar, with arginine, which is basic and polar, at codon 506 of the ARID1B protein (p.Pro506Arg).